The following is an entry in ClinVar:

ClinVar aggregate classification (germline): Pathogenic (1 of 4 stars; one submission).

Conditions:
Danon disease. Also called: Glycogen Storage Disease Type IIb; ANTOPOL DISEASE; PSEUDOGLYCOGENOSIS II; GSD IIb; LYSOSOMAL GLYCOGEN STORAGE DISEASE WITHOUT ACID MALTASE DEFICIENCY. Identifiers: Orphanet 34587, MedGen C0878677, MONDO:0010281, OMIM 300257.

Submission:

Labcorp Genetics (formerly Invitae), Labcorp
Classification: Pathogenic for Danon disease. Last evaluated: 2022-05-28. Review status: criteria provided, single submitter. Criteria: Invitae Variant Classification Sherloc (09022015). Collection method: clinical testing. Allele origin: germline.
Comment: This variant is a gross deletion of the genomic region encompassing exon(s) 1 of the LAMP2 gene, which includes the initiator codon. This deletion extends beyond the assayed region for this gene and therefore may encompass additional genes. It is expected to result in an absent or disrupted protein product. Loss-of-function variants in LAMP2 are known to be pathogenic (PMID: 21415759). A similar copy number variant has been observed in individual(s) with Danon disease (PMID: 20173215, 21415759). For these reasons, this variant has been classified as Pathogenic.

Literature cited by the submitters: PubMed 21415759; PubMed 20173215.

NC_000023.10:g.(?_119602941)_(119603024_?)del

Gene: LAMP2 (lysosome associated membrane protein 2; minus strand). Cytogenetic location: Xq24.
Variant type: Deletion.
Identifiers: ClinVar variation 2424389 (VCV002424389.3).